The following is an entry in ClinVar:

ClinVar aggregate classification (germline): Uncertain significance. Review status: criteria provided, multiple submitters, no conflicts (2 of 4 stars). 2 submissions from 2 submitters: Uncertain significance (2). Last evaluated 2025-05-13.

Conditions:
Inborn genetic diseases. Identifiers: MedGen C0950123, MeSH D030342.

Allele frequency attached by ClinVar (database versions not stated): gnomAD 0.00004 and 0.00003; gnomAD exomes below 0.00001 and 0.00001; TOPMed 0.00003.
gnomAD v4.1: 9 of 1,535,148 alleles (0.00059%); highest among the groups gnomAD compares: African/African-American, 0.0096%; no homozygotes.

Submissions (2):

Ambry Genetics
Classification: Uncertain significance for Inborn genetic diseases. Last evaluated: 2025-05-13. Review status: criteria provided, single submitter. Criteria: Ambry Variant Classification Scheme 2023. Collection method: clinical testing. Allele origin: germline.

GeneDx
Classification: Uncertain significance. Last evaluated: 2017-02-10. Review status: criteria provided, single submitter. Criteria: GeneDx Variant Classification (06012015). Collection method: clinical testing. Allele origin: germline. Affected: yes.
Comment: The N1109D variant in the PIEZO2 gene has not been reported previously as a pathogenic variant, nor as a benign variant, to our knowledge. This variant is not observed in large population cohorts (Lek et al., 2016; 1000 Genomes Consortium et al., 2015; Exome Variant Server). The N1109D variant is a semi-conservative amino acid substitution, which may impact secondary protein structure as these residues differ in some properties. This substitution occurs at a position where amino acids with similar properties to Asparagine are tolerated across species. In silico analysis is inconsistent in its predictions as to whether or not the variant is damaging to the protein structure/function. We interpret N1109D as a variant of uncertain significance.

NM_001378183.1(PIEZO2):c.3400A>G (p.Asn1134Asp)

Gene: PIEZO2 (piezo type mechanosensitive ion channel component 2; minus strand). Cytogenetic location: 18p11.22.
Variant type: single nucleotide variant.
Coding change: c.3400A>G on transcript NM_001378183.1 (MANE Select); coding-DNA position 3400, A replaced by G.
Protein change: p.Asn1134Asp; replaces asparagine 1134 with aspartic acid.
Molecular consequence: missense variant.
Genome position (GRCh38, 1-based): chr18:10,760,961, T>C on the plus strand (A>G on the coding strand, the complement: PIEZO2 is on the minus strand). VCF-style: chr18-10760961-T-C. GRCh37 (hg19) VCF-style: chr18-10760959-T-C.
Other names: c.3325A>G, p.Asn1109Asp (NM_022068.4); short protein forms N1109D, N1134D.
Identifiers: ClinVar variation 423328 (VCV000423328.3), dbSNP rs1032953400, ClinGen allele CA16620658.